The following is an entry in ClinVar:

ClinVar aggregate classification (germline): Pathogenic (1 of 4 stars; one submission).

Conditions:
Trichohepatoenteric syndrome 2 (THES2). Identifiers: Orphanet 84064, MedGen C3281289, MONDO:0013818, OMIM 614602.

Submission:

3billion
Classification: Pathogenic for Trichohepatoenteric syndrome 2. Last evaluated: 2024-12-30. Review status: criteria provided, single submitter. Criteria: ACMG Guidelines, 2015. Collection method: clinical testing. Allele origin: germline. Affected: yes.
Comment: The variant is not observed in the gnomAD v4.1.0 dataset. Predicted Consequence/Location: Frameshift: predicted to result in a loss or disruption of normal protein function through nonsense-mediated decay (NMD) or protein truncation. Multiple pathogenic variants are reported downstream of the variant. Therefore, this variant is classified as Pathogenic according to the recommendation of ACMG/AMP guideline.

NM_006929.5(SKIC2):c.779dup (p.Val261fs)

Gene: SKIC2 (SKI2 subunit of superkiller complex; plus strand). Cytogenetic location: 6p21.33.
Variant type: Duplication.
Coding change: c.779dup on transcript NM_006929.5 (MANE Select); coding-DNA position 779, one base duplicated (T; older notation c.779dupT).
Protein change: p.Val261fs; shifts the reading frame from valine 261.
Molecular consequence: frameshift variant.
Genome position (GRCh38, 1-based): chr6:31,961,376, T duplicated. VCF-style (leftmost placement, unchanged base first): chr6-31961375-C-CT. GRCh37 (hg19) VCF-style: chr6-31929152-C-CT.
Other names: short protein forms V261fs.
Identifiers: ClinVar variation 4293314 (VCV004293314.1).
Genomic context (GRCh38, chr6:31,961,375, plus strand): 5'-GACACTGTTTCAGCCTCTCCCTGCAGTGCTCCCCTGGCCCGAGCAAGCAGCTTGGAAGAC[C>CT]TAGTGTTGAAGGTTGGTGGTTCTGTGTAGTGGAGGCAAGAAAGAGCCTTGCCACCAGGAT-3'